The following is an entry in ClinVar:

ClinVar aggregate classification (germline): Uncertain significance. Review status: criteria provided, multiple submitters, no conflicts (2 of 4 stars). 3 submissions from 3 submitters: Uncertain significance (3). Last evaluated 2024-01-11.

Conditions:
Inborn genetic diseases. Identifiers: MedGen C0950123, MeSH D030342.
Xeroderma pigmentosum (XP). Identifiers: Orphanet 910, MedGen C0043346, MONDO:0019600.

Allele frequency attached by ClinVar (database versions not stated): gnomAD exomes below 0.00001.
gnomAD v4.1: 2 of 1,614,154 alleles (0.00012%); highest among the groups gnomAD compares: Non-Finnish European, 0.00017%; no homozygotes.

Submissions (3):

Ambry Genetics
Classification: Uncertain significance for Inborn genetic diseases. Last evaluated: 2024-01-11. Review status: criteria provided, single submitter. Criteria: Ambry Variant Classification Scheme 2023. Collection method: clinical testing. Allele origin: germline.
Comment: The p.D673N variant (also known as c.2017G>A), located in coding exon 21 of the ERCC2 gene, results from a G to A substitution at nucleotide position 2017. The aspartic acid at codon 673 is replaced by asparagine, an amino acid with highly similar properties. This amino acid position is conserved. In addition, the in silico prediction for this alteration is inconclusive. Since supporting evidence is limited at this time, the clinical significance of this alteration remains unclear.

Labcorp Genetics (formerly Invitae), Labcorp
Classification: Uncertain significance. Last evaluated: 2022-09-16. Review status: criteria provided, single submitter. Criteria: Invitae Variant Classification Sherloc (09022015). Collection method: clinical testing. Allele origin: germline.
Comment: This sequence change replaces aspartic acid, which is acidic and polar, with asparagine, which is neutral and polar, at codon 673 of the ERCC2 protein (p.Asp673Asn). This variant is not present in population databases (gnomAD no frequency). This variant has not been reported in the literature in individuals affected with ERCC2-related conditions. ClinVar contains an entry for this variant (Variation ID: 1692432). Advanced modeling of protein sequence and biophysical properties (such as structural, functional, and spatial information, amino acid conservation, physicochemical variation, residue mobility, and thermodynamic stability) performed at Invitae indicates that this missense variant is expected to disrupt ERCC2 protein function. In summary, the available evidence is currently insufficient to determine the role of this variant in disease. Therefore, it has been classified as a Variant of Uncertain Significance.

Sema4
Classification: Uncertain significance for Xeroderma pigmentosum. Last evaluated: 2022-02-16. Review status: criteria provided, single submitter. Criteria: Sema4 Curation Guidelines. Collection method: curation. Allele origin: germline.
Comment: The ERCC2 c.2017G>A (p.D673N) variant has not been reported in the literature to our knowledge. This variant was not reported in the population database Genome Aggregation Database (PMID: 32461654). This variant has not been reported in ClinVar. In silico tools suggest the impact of the variant on protein function is deleterious, though these predictions have not been confirmed by functional studies. The evidence is insufficient to meet ACMG/AMP criteria for classifying the variant as benign or pathogenic. Thus, the clinical significance of this variant is currently uncertain.

NM_000400.4(ERCC2):c.2017G>A (p.Asp673Asn)

Gene: ERCC2 (ERCC excision repair 2, TFIIH core complex helicase subunit; minus strand). Cytogenetic location: 19q13.32.
Variant type: single nucleotide variant.
Coding change: c.2017G>A on transcript NM_000400.4 (MANE Select); coding-DNA position 2017, G replaced by A.
Protein change: p.Asp673Asn; replaces aspartic acid 673 with asparagine.
Molecular consequence: missense variant.
Genome position (GRCh38, 1-based): chr19:45,352,535, C>T on the plus strand (G>A on the coding strand, the complement: ERCC2 is on the minus strand). VCF-style: chr19-45352535-C-T. GRCh37 (hg19) VCF-style: chr19-45855793-C-T.
Other names: short protein forms D673N.
Identifiers: ClinVar variation 1692432 (VCV001692432.8), dbSNP rs2123223978, ClinGen allele CA406362889.